The following is an entry in ClinVar:

ClinVar aggregate classification (germline): Pathogenic. Review status: criteria provided, multiple submitters, no conflicts (2 of 4 stars). 2 submissions from 2 submitters: Pathogenic (2). Last evaluated 2024-12-17.

Conditions:
Cernunnos-XLF deficiency (IMD124). Also called: SCID, AUTOSOMAL RECESSIVE, T CELL-NEGATIVE, B CELL-NEGATIVE, NK CELL-POSITIVE, WITH MICROCEPHALY, GROWTH RETARDATION, AND SENSITIVITY TO IONIZING RADIATION; Severe combined immunodeficiency with sensitivity to ionizing radiation due to NHEJ1 deficiency; SCID, autosomal recessive, T cell-negative, B cell-negative, NK cell-positive, and sensitivity to ionizing radiation due to NHEJ1 deficiency; IMMUNODEFICIENCY 124, SEVERE COMBINED; NHEJ1 SYNDROME. Identifiers: Orphanet 169079, MedGen C1969799, MONDO:0012650, OMIM 611291.

Submissions (2):

Genomic Medicine Center of Excellence, King Faisal Specialist Hospital and Research Centre
Classification: Pathogenic for Cernunnos-XLF deficiency. Last evaluated: 2024-12-17. Review status: criteria provided, single submitter. Criteria: ACMG Guidelines, 2015. Collection method: clinical testing. Allele origin: germline.

3billion
Classification: Pathogenic for Cernunnos-XLF deficiency. Last evaluated: 2022-09-01. Review status: criteria provided, single submitter. Criteria: ACMG Guidelines, 2015. Collection method: clinical testing. Allele origin: germline. Affected: yes. Observed: 1 homozygote.
Comment: The variant is not observed in the gnomAD v2.1.1 dataset. Stop-gained (nonsense) is predicted to result in a loss or disruption of normal protein function through nonsense-mediated decay (NMD) or protein truncation. Multiple pathogenic variants are reported downstream of the variant. The variant has been reported to be associated with NHEJ1-related disorder (PMID: 31130284). Therefore, this variant is classified as Pathogenic according to the recommendation of ACMG/AMP guideline.

Literature cited by the submitters: PubMed 31130284 (cited by 3billion).

NM_024782.3(NHEJ1):c.134G>A (p.Trp45Ter)

Gene: NHEJ1 (non-homologous end joining factor 1; minus strand). Cytogenetic location: 2q35.
Variant type: single nucleotide variant.
Coding change: c.134G>A on transcript NM_024782.3 (MANE Select); coding-DNA position 134, G replaced by A.
Protein change: p.Trp45Ter; replaces tryptophan 45 with a stop codon.
Molecular consequence: nonsense. On other transcripts: non-coding transcript variant (1).
Genome position (GRCh38, 1-based): chr2:219,158,229, C>T on the plus strand (G>A on the coding strand, the complement: NHEJ1 is on the minus strand). VCF-style: chr2-219158229-C-T. GRCh37 (hg19) VCF-style: chr2-220022951-C-T.
Other names: c.134G>A, p.Trp45Ter (NM_001377498.1, NM_001377499.1); short protein forms W45*.
Identifiers: ClinVar variation 1705616 (VCV001705616.2), dbSNP rs1949876445, ClinGen allele CA350634144.